The following is an entry in ClinVar:

NM_001110556.2(FLNA):c.2280+18G>A

Gene: FLNA (filamin A; minus strand). Cytogenetic location: Xq28.
Variant type: single nucleotide variant.
Coding change: c.2280+18G>A on transcript NM_001110556.2 (MANE Select); 18 bases into the intron after coding-DNA position 2280, G replaced by A.
Molecular consequence: intron variant.
Genome position (GRCh38, 1-based): chrX:154,364,004, C>T on the plus strand (G>A on the coding strand, the complement: FLNA is on the minus strand). VCF-style: chrX-154364004-C-T. GRCh37 (hg19) VCF-style: chrX-153592372-C-T.
Other names: c.2280+18G>A (NM_001456.4).
Identifiers: ClinVar variation 388477 (VCV000388477.9), dbSNP rs376960489, ClinGen allele CA10560979.

ClinVar aggregate classification (germline): Likely benign. Review status: criteria provided, multiple submitters, no conflicts (2 of 4 stars). 2 submissions from 2 submitters: Likely benign (2). Last evaluated 2025-12-13.

Conditions:
Oto-palato-digital syndrome, type II (OPD2). Also called: FACIOPALATOOSSEOUS SYNDROME; OPD II SYNDROME; Otopalatodigital Syndrome Type 2 (FLNA-OPD2); Otopalatodigital Syndrome, Type II. Identifiers: Orphanet 669, Orphanet 90652, MedGen C1844696, MONDO:0010571, OMIM 304120.
Heterotopia, periventricular, X-linked dominant (PVNH1). Also called: PERIVENTRICULAR NODULAR HETEROTOPIA 1; X-linked periventricular heterotopia; PERIVENTRICULAR NODULAR HETEROTOPIA 4; HETEROTOPIA, PERIVENTRICULAR, 1. Identifiers: Orphanet 2149, Orphanet 82004, MedGen C1848213, MONDO:0010233, OMIM 300049.
Frontometaphyseal dysplasia (FMD1). Identifiers: Orphanet 1826, MedGen C0265293, MONDO:0015942.
Melnick-Needles syndrome (MNS). Also called: MELNICK-NEEDLES OSTEODYSPLASTY; OSTEODYSPLASTY OF MELNICK AND NEEDLES; Melnick-Needles Syndrome (FLNA-MNS). Identifiers: Orphanet 2484, MedGen C0025237, MONDO:0010650, OMIM 309350.

gnomAD v4.1: 26 of 1,206,747 alleles (0.0022%); highest among the groups gnomAD compares: South Asian, 0.018%; no homozygotes.

Submissions (2):

Labcorp Genetics (formerly Invitae), Labcorp
Classification: Likely benign for Oto-palato-digital syndrome, type II; Heterotopia, periventricular, X-linked dominant; Frontometaphyseal dysplasia; Melnick-Needles syndrome. Last evaluated: 2025-12-13. Review status: criteria provided, single submitter. Criteria: Invitae Variant Classification Sherloc (09022015). Collection method: clinical testing. Allele origin: germline.

GeneDx
Classification: Likely benign. Last evaluated: 2016-08-08. Review status: criteria provided, single submitter. Criteria: GeneDx Variant Classification (06012015). Collection method: clinical testing. Allele origin: germline. Affected: yes.
Comment: This variant is considered likely benign or benign based on one or more of the following criteria: it is a conservative change, it occurs at a poorly conserved position in the protein, it is predicted to be benign by multiple in silico algorithms, and/or has population frequency not consistent with disease.